The following is an entry in ClinVar:

NM_001080517.3(SETD5):c.1260T>G (p.Ala420=)

Gene: SETD5 (SET domain containing 5; plus strand). Cytogenetic location: 3p25.3.
Variant type: single nucleotide variant.
Coding change: c.1260T>G on transcript NM_001080517.3 (MANE Select); coding-DNA position 1260, T replaced by G.
Protein change: p.Ala420=; no amino-acid change (alanine 420 retained).
Molecular consequence: synonymous variant.
Genome position (GRCh38, 1-based): chr3:9,445,120, T>G. VCF-style: chr3-9445120-T-G. GRCh37 (hg19) VCF-style: chr3-9486804-T-G.
Other names: c.966T>G, p.Ala322= (NM_001292043.2, NM_001349451.2).
Identifiers: ClinVar variation 1326388 (VCV001326388.6), dbSNP rs931898655, ClinGen allele CA69961336.

ClinVar aggregate classification (germline): Conflicting classifications of pathogenicity. Review status: criteria provided, conflicting classifications (1 of 4 stars). 2 submissions from 2 submitters: Uncertain significance (1); Likely benign (1). Last evaluated 2023-09-08.

Allele frequency attached by ClinVar (database versions not stated): gnomAD exomes below 0.00001 and 0.00001; gnomAD 0.00001; TOPMed 0.00003.
gnomAD v4.1: 10 of 1,613,814 alleles (0.00062%); highest among the groups gnomAD compares: Admixed American, 0.0017%; no homozygotes.

Submissions (2):

Labcorp Genetics (formerly Invitae), Labcorp
Classification: Likely benign. Last evaluated: 2023-09-08. Review status: criteria provided, single submitter. Criteria: Invitae Variant Classification Sherloc (09022015). Collection method: clinical testing. Allele origin: germline.

GeneDx
Classification: Uncertain significance. Last evaluated: 2021-05-27. Review status: criteria provided, single submitter. Criteria: GeneDx Variant Classification Process June 2021. Collection method: clinical testing. Allele origin: germline. Affected: yes.
Comment: Not observed at significant frequency in large population cohorts (Lek et al., 2016); In-silico analysis, which includes splice predictors and evolutionary conservation, is inconclusive as to whether the variant alters gene splicing. In the absence of RNA/functional studies, the actual effect of this sequence change is unknown.; Has not been previously published as pathogenic or benign to our knowledge